The following is an entry in ClinVar:

ClinVar aggregate classification (germline): Uncertain significance (1 of 4 stars; one submission).

Conditions:
Deficiency of cytochrome-b5 reductase. Also called: METHEMOGLOBINEMIA, CONGENITAL, AUTOSOMAL RECESSIVE; NADH-DEPENDENT METHEMOGLOBIN REDUCTASE DEFICIENCY. Identifiers: Orphanet 621, MedGen C0268193, MONDO:0009606, OMIM 250800.

Submission:

Neuberg Centre For Genomic Medicine, NCGM
Classification: Uncertain significance for Deficiency of cytochrome-b5 reductase. Review status: criteria provided, single submitter. Criteria: ACMG Guidelines, 2015. Collection method: clinical testing. Allele origin: germline. Inheritance: Autosomal recessive inheritance. Affected: yes.
Comment: The missense variant c.440G>Cp.Gly147Ala in CYB5R3 gene has not been reported previously as a pathogenic variant nor as a benign variant, to our knowledge. The p.Gly147Ala variant is novel not in any individuals in gnomAD Exomes and 1000 Genomes. The amino acid Glycine at position 147 is changed to a Alanine changing protein sequence and it might alter its composition and physico-chemical properties. The variant is predicted to be damaging by SIFT. The amino acid change p.Gly147Ala in CYB5R3 is predicted as conserved by GERP++ and PhyloP across 100 vertebrates. For these reasons, this variant has been classified as Uncertain Significance.

NM_000398.7(CYB5R3):c.440G>C (p.Gly147Ala)

Gene: CYB5R3 (cytochrome b5 reductase 3; minus strand). Cytogenetic location: 22q13.2.
Variant type: single nucleotide variant.
Coding change: c.440G>C on transcript NM_000398.7 (MANE Select); coding-DNA position 440, G replaced by C.
Protein change: p.Gly147Ala; replaces glycine 147 with alanine.
Molecular consequence: missense variant.
Genome position (GRCh38, 1-based): chr22:42,628,175, C>G on the plus strand (G>C on the coding strand, the complement: CYB5R3 is on the minus strand). VCF-style: chr22-42628175-C-G. GRCh37 (hg19) VCF-style: chr22-43024181-C-G.
Other names: c.440G>C, p.Gly147Ala (NM_001031678.1); c.371G>C, p.Gly124Ala (NM_001129819.2, NM_001171661.1, NM_007326.4); c.539G>C, p.Gly180Ala (NM_001171660.2); short protein forms G124A, G147A, G180A.
Identifiers: ClinVar variation 3235003 (VCV003235003.1), dbSNP rs1928397593, ClinGen allele CA411799094.